The following is an entry in ClinVar:

ClinVar aggregate classification (germline): Likely pathogenic (1 of 4 stars; one submission).

Conditions:
Dilated cardiomyopathy 1G (CMD1G). Identifiers: Orphanet 154, MedGen C1858763, MONDO:0011400, OMIM 604145.
Autosomal recessive limb-girdle muscular dystrophy type 2J (LGMDR10). Also called: Limb-girdle muscular dystrophy, type 2J; MUSCULAR DYSTROPHY, LIMB-GIRDLE, AUTOSOMAL RECESSIVE 10. Identifiers: Orphanet 140922, MedGen C1837342, MONDO:0012127, OMIM 608807.

Submission:

Labcorp Genetics (formerly Invitae), Labcorp
Classification: Likely pathogenic for Dilated cardiomyopathy 1G; Autosomal recessive limb-girdle muscular dystrophy type 2J. Last evaluated: 2025-02-19. Review status: criteria provided, single submitter. Criteria: Invitae Variant Classification Sherloc (09022015). Collection method: clinical testing. Allele origin: germline.
Comment: This sequence change affects a donor splice site in intron 313 of the TTN gene. It is expected to disrupt RNA splicing and likely results in a truncated or disrupted TTN protein. This variant is not present in population databases (gnomAD no frequency). This variant has not been reported in the literature in individuals affected with TTN-related conditions. ClinVar contains an entry for this variant (Variation ID: 2951946). Algorithms developed to predict the effect of sequence changes on RNA splicing suggest that this variant may disrupt the consensus splice site. This variant is located in the A band of TTN (PMID: 25589632). Truncating variants in this region are significantly overrepresented in patients affected with dilated cardiomyopathy (PMID: 25589632). Truncating variants in this region have also been reported in individuals affected with autosomal recessive centronuclear myopathy (PMID: 23975875). In summary, the currently available evidence indicates that the variant is pathogenic, but additional data are needed to prove that conclusively. Therefore, this variant has been classified as Likely Pathogenic.

Literature cited by the submitters: PubMed 25589632; PubMed 23975875.

NM_001267550.2(TTN):c.65863+2T>A

Genes: TTN (titin; minus strand), TTN-AS1 (TTN antisense RNA 1; plus strand). Cytogenetic location: 2q31.2.
Variant type: single nucleotide variant.
Coding change: c.65863+2T>A on transcript NM_001267550.2 (MANE Select); the canonical splice donor site of the intron after coding-DNA position 65863, T replaced by A.
Molecular consequence: splice donor variant.
Genome position (GRCh38, 1-based): chr2:178,582,938, A>T on the plus strand (T>A on the coding strand, the complement: TTN is on the minus strand). VCF-style: chr2-178582938-A-T. GRCh37 (hg19) VCF-style: chr2-179447665-A-T.
Other names: c.38668+2T>A (NM_003319.4); c.39244+2T>A (NM_133437.4); c.39043+2T>A (NM_133432.3); c.58159+2T>A (NM_133378.4); c.60940+2T>A (NM_001256850.1).
Identifiers: ClinVar variation 2951946 (VCV002951946.3), dbSNP rs2469059412, ClinGen allele CA349432306.
Genomic context (GRCh38, chr2:178,582,938, plus strand): 5'-ATCCTATTTACATCCCATTATCCAAAGTAAAATATGGGATTCCAATGAAGTTTATTAGTT[A>T]CCTAACACTTTAAGCTTAATGGTGGCTGATTTAGAACCACTTGAATTTTCAGCAGTAATG-3'